The following is an entry in ClinVar:

ClinVar aggregate classification (germline): Likely benign. Review status: criteria provided, multiple submitters, no conflicts (2 of 4 stars). 2 submissions from 2 submitters: Likely benign (2). Last evaluated 2025-04-14.

Allele frequency attached by ClinVar (database versions not stated): gnomAD exomes below 0.00001 and 0.00001; ExAC 0.00002; gnomAD 0.00002 and 0.00003; TOPMed 0.00002.
gnomAD v4.1: 11 of 1,611,906 alleles (0.00068%); highest among the groups gnomAD compares: African/African-American, 0.004%; no homozygotes.

Submissions (2):

Labcorp Genetics (formerly Invitae), Labcorp
Classification: Likely benign. Last evaluated: 2025-04-14. Review status: criteria provided, single submitter. Criteria: Invitae Variant Classification Sherloc (09022015). Collection method: clinical testing. Allele origin: germline.

GeneDx
Classification: Likely benign. Last evaluated: 2016-12-14. Review status: criteria provided, single submitter. Criteria: GeneDx Variant Classification (06012015). Collection method: clinical testing. Allele origin: germline. Affected: yes.
Comment: This variant is considered likely benign or benign based on one or more of the following criteria: it is a conservative change, it occurs at a poorly conserved position in the protein, it is predicted to be benign by multiple in silico algorithms, and/or has population frequency not consistent with disease.

NM_006059.4(LAMC3):c.2718C>T (p.Phe906=)

Gene: LAMC3 (laminin subunit gamma 3; plus strand). Cytogenetic location: 9q34.12.
Variant type: single nucleotide variant.
Coding change: c.2718C>T on transcript NM_006059.4 (MANE Select); coding-DNA position 2718, C replaced by T.
Protein change: p.Phe906=; no amino-acid change (phenylalanine 906 retained).
Molecular consequence: synonymous variant.
Genome position (GRCh38, 1-based): chr9:131,068,202, C>T. VCF-style: chr9-131068202-C-T. GRCh37 (hg19) VCF-style: chr9-133943589-C-T.
Identifiers: ClinVar variation 391766 (VCV000391766.9), dbSNP rs774628409, ClinGen allele CA5287543.